The following is an entry in ClinVar:

NM_001184.4(ATR):c.10C>T (p.His4Tyr)

Gene: ATR (ATR checkpoint kinase; minus strand). Cytogenetic location: 3q23.
Variant type: single nucleotide variant.
Coding change: c.10C>T on transcript NM_001184.4 (MANE Select); coding-DNA position 10, C replaced by T.
Protein change: p.His4Tyr; replaces histidine 4 with tyrosine.
Molecular consequence: missense variant.
Genome position (GRCh38, 1-based): chr3:142,578,695, G>A on the plus strand (C>T on the coding strand, the complement: ATR is on the minus strand). VCF-style: chr3-142578695-G-A. GRCh37 (hg19) VCF-style: chr3-142297537-G-A.
Other names: c.10C>T, p.His4Tyr (NM_001354579.2); short protein forms H4Y.
Identifiers: ClinVar variation 1486140 (VCV001486140.9), dbSNP rs373534503, ClinGen allele CA2650881.

ClinVar aggregate classification (germline): Uncertain significance. Review status: criteria provided, multiple submitters, no conflicts (2 of 4 stars). 4 submissions from 3 submitters: Uncertain significance (4). Last evaluated 2024-11-14.

Conditions:
Familial cutaneous telangiectasia and oropharyngeal predisposition cancer syndrome. Identifiers: Orphanet 313846, MedGen C3281203, MONDO:0013806, OMIM 614564.
Inborn genetic diseases. Identifiers: MedGen C0950123, MeSH D030342.
Seckel syndrome 1 (SCKL1). Also called: MICROCEPHALIC PRIMORDIAL DWARFISM I. Identifiers: Orphanet 808, MedGen C4551474, MONDO:0008869, OMIM 210600.

Allele frequency attached by ClinVar (database versions not stated): gnomAD exomes below 0.00001 and 0.00001; TOPMed below 0.00001; ExAC 0.00001; gnomAD 0.00001; ESP Exome Variant Server 0.00008.
gnomAD v4.1: 14 of 1,613,196 alleles (0.00087%); highest among the groups gnomAD compares: Non-Finnish European, 0.0012%; no homozygotes.

Submissions (4):

Ambry Genetics
Classification: Uncertain significance for Inborn genetic diseases. Last evaluated: 2024-11-14. Review status: criteria provided, single submitter. Criteria: Ambry Variant Classification Scheme 2023. Collection method: clinical testing. Allele origin: germline.
Comment: The p.H4Y variant (also known as c.10C>T), located in coding exon 1 of the ATR gene, results from a C to T substitution at nucleotide position 10. The histidine at codon 4 is replaced by tyrosine, an amino acid with similar properties. This amino acid position is conserved. In addition, this alteration is predicted to be tolerated by in silico analysis. Since supporting evidence is limited at this time, the clinical significance of this alteration remains unclear.

Labcorp Genetics (formerly Invitae), Labcorp
Classification: Uncertain significance. Last evaluated: 2023-11-08. Review status: criteria provided, single submitter. Criteria: Invitae Variant Classification Sherloc (09022015). Collection method: clinical testing. Allele origin: germline.
Comment: This sequence change replaces histidine, which is basic and polar, with tyrosine, which is neutral and polar, at codon 4 of the ATR protein (p.His4Tyr). This variant is present in population databases (rs373534503, gnomAD 0.0009%). This variant has not been reported in the literature in individuals affected with ATR-related conditions. ClinVar contains an entry for this variant (Variation ID: 1486140). An algorithm developed to predict the effect of missense changes on protein structure and function (PolyPhen-2) suggests that this variant is likely to be tolerated. In summary, the available evidence is currently insufficient to determine the role of this variant in disease. Therefore, it has been classified as a Variant of Uncertain Significance.

Genome-Nilou Lab
Classification: Uncertain significance for Seckel syndrome 1. Last evaluated: 2023-02-08. Review status: criteria provided, single submitter. Criteria: ACMG Guidelines, 2015. Collection method: clinical testing. Allele origin: germline.

Genome-Nilou Lab
Classification: Uncertain significance for Familial cutaneous telangiectasia and oropharyngeal predisposition cancer syndrome. Last evaluated: 2023-02-08. Review status: criteria provided, single submitter. Criteria: ACMG Guidelines, 2015. Collection method: clinical testing. Allele origin: germline.